The following is an entry in ClinVar:

ClinVar aggregate classification (germline): Uncertain significance (1 of 4 stars; one submission).

Submission:

Women's Health and Genetics/Laboratory Corporation of America, LabCorp
Classification: Uncertain significance. Last evaluated: 2025-12-03. Review status: criteria provided, single submitter. Criteria: LabCorp Variant Classification Summary - May 2015. Collection method: clinical testing. Allele origin: germline.
Comment: Variant summary: FGFR3 c.500C>T (p.Pro167Leu) results in a non-conservative amino acid change in the encoded protein sequence. Algorithms developed to predict the effect of missense changes on protein structure and function are either unavailable or do not agree on the potential impact of this missense change. The variant was absent in 148966 control chromosomes. The available data on variant occurrences in the general population are insufficient to allow any conclusion about variant significance. To our knowledge, no occurrence of c.500C>T in individuals affected with FGFR3-related conditions and no experimental evidence demonstrating its impact on protein function have been reported. No submitters have cited clinical-significance assessments for this variant to ClinVar. Based on the evidence outlined above, the variant was classified as uncertain significance.

NM_000142.5(FGFR3):c.500C>T (p.Pro167Leu)

Gene: FGFR3 (fibroblast growth factor receptor 3; plus strand). Cytogenetic location: 4p16.3.
Variant type: single nucleotide variant.
Coding change: c.500C>T on transcript NM_000142.5 (MANE Select); coding-DNA position 500, C replaced by T.
Protein change: p.Pro167Leu; replaces proline 167 with leucine.
Molecular consequence: missense variant. On other transcripts: non-coding transcript variant (1).
Genome position (GRCh38, 1-based): chr4:1,801,421, C>T. VCF-style: chr4-1801421-C-T. GRCh37 (hg19) VCF-style: chr4-1803148-C-T.
Other names: c.500C>T, p.Pro167Leu (NM_001163213.2, NM_001354809.2, NM_001354810.2 and 1 more transcripts); short protein forms P167L.
Identifiers: ClinVar variation 4688603 (VCV004688603.1).